The following is an entry in ClinVar:

NM_007294.4(BRCA1):c.124A>T (p.Ile42Leu)

Gene: BRCA1 (BRCA1 DNA repair associated; minus strand). Cytogenetic location: 17q21.31.
Variant type: single nucleotide variant.
Coding change: c.124A>T on transcript NM_007294.4 (MANE Select); coding-DNA position 124, A replaced by T.
Protein change: p.Ile42Leu; replaces isoleucine 42 with leucine.
Molecular consequence: missense variant. On other transcripts: non-coding transcript variant (1), intron variant (1).
Genome position (GRCh38, 1-based): chr17:43,115,736, T>A on the plus strand (A>T on the coding strand, the complement: BRCA1 is on the minus strand). VCF-style: chr17-43115736-T-A. GRCh37 (hg19) VCF-style: chr17-41267753-T-A.
Other names: c.124A>T, p.Ile42Leu (NM_001408397.1, NM_001408398.1, NM_001408399.1 and 192 more transcripts); c.-18A>T (NM_001408410.1, NM_001408452.1, NM_001408453.1 and 47 more transcripts); c.-134A>T (NM_001408455.1, NM_001408456.1, NM_001408468.1 and 13 more transcripts); c.-138A>T (NM_001408465.1, NM_001407695.1); c.-65A>T (NM_001408478.1, NM_001408479.1, NM_001408480.1 and 52 more transcripts); c.-181A>T (NM_001408492.1, NM_001407889.1, NM_001407900.1); c.-180A>T (NM_001408510.1, NM_001408512.1, NM_001407960.1 and 1 more transcripts); c.-8+8281A>T (NM_007297.4); and 2 more; short protein forms I42L.
Identifiers: ClinVar variation 867504 (VCV000867504.3), dbSNP rs80357163, ClinGen allele CA10601910.

Conditions:
Breast-ovarian cancer, familial, susceptibility to, 1 (BROVCA1). Also called: BRCA1 Hereditary Breast and Ovarian Cancer; OVARIAN CANCER, SUSCEPTIBILITY TO. Identifiers: Orphanet 145, MedGen C2676676, MONDO:0011450, OMIM 604370. Disease mechanism: loss of function.

Submission:

Brotman Baty Institute, University of Washington
No classification provided (evidence only). Condition: Breast-ovarian cancer, familial 1. Review status: no classification provided. Collection method: in vitro. Allele origin: not applicable. Functional consequence: functionally_normal.
ClinVar note: "not provided" was previously submitted as the classification for the variant. However, the classification appeared to be based only on an observation of functional data so it was converted to no classification on 2025-07-30.